The following is an entry in ClinVar:

ClinVar aggregate classification (germline): Uncertain significance. Review status: criteria provided, multiple submitters, no conflicts (2 of 4 stars). 2 submissions from 2 submitters: Uncertain significance (2). Last evaluated 2025-12-16.

Conditions:
Inborn genetic diseases. Identifiers: MedGen C0950123, MeSH D030342.
Hereditary spastic paraplegia 11. Also called: Spastic Paraplegia 11; Spastic paraplegia, mental retardation and thin corpus callosum; SPASTIC PARAPLEGIA, AUTOSOMAL RECESSIVE, COMPLICATED, WITH THIN CORPUS CALLOSUM; SPASTIC PARAPLEGIA, AUTOSOMAL RECESSIVE, WITH MENTAL IMPAIRMENT AND THIN CORPUS CALLOSUM; Nakamura Osame syndrome; Autosomal recessive hereditary spastic paraplegia, mental impairment, and thin corpus callosum. Identifiers: Orphanet 2822, MedGen C1858479, MONDO:0011445, OMIM 604360.

Allele frequency attached by ClinVar (database versions not stated): TOPMed 0.00001; gnomAD exomes 0.00002.
gnomAD v4.1: 30 of 1,613,464 alleles (0.0019%); highest among the groups gnomAD compares: Non-Finnish European, 0.0025%; no homozygotes.

Submissions (2):

Ambry Genetics
Classification: Uncertain significance for Inborn genetic diseases. Last evaluated: 2025-12-16. Review status: criteria provided, single submitter. Criteria: Ambry Variant Classification Scheme 2023. Collection method: clinical testing. Allele origin: germline.

Labcorp Genetics (formerly Invitae), Labcorp
Classification: Uncertain significance for Hereditary spastic paraplegia 11. Last evaluated: 2021-08-20. Review status: criteria provided, single submitter. Criteria: Invitae Variant Classification Sherloc (09022015). Collection method: clinical testing. Allele origin: germline.
Comment: This sequence change replaces aspartic acid with asparagine at codon 731 of the SPG11 protein (p.Asp731Asn). The aspartic acid residue is moderately conserved and there is a small physicochemical difference between aspartic acid and asparagine. This variant is not present in population databases (ExAC no frequency). This variant has not been reported in the literature in individuals affected with SPG11-related conditions. Algorithms developed to predict the effect of missense changes on protein structure and function (SIFT, PolyPhen-2, Align-GVGD) all suggest that this variant is likely to be tolerated. In summary, the available evidence is currently insufficient to determine the role of this variant in disease. Therefore, it has been classified as a Variant of Uncertain Significance.

NM_025137.4(SPG11):c.2191G>A (p.Asp731Asn)

Gene: SPG11 (SPG11 vesicle trafficking associated, spatacsin; minus strand). Cytogenetic location: 15q21.1.
Variant type: single nucleotide variant.
Coding change: c.2191G>A on transcript NM_025137.4 (MANE Select); coding-DNA position 2191, G replaced by A.
Protein change: p.Asp731Asn; replaces aspartic acid 731 with asparagine.
Molecular consequence: missense variant.
Genome position (GRCh38, 1-based): chr15:44,626,384, C>T on the plus strand (G>A on the coding strand, the complement: SPG11 is on the minus strand). VCF-style: chr15-44626384-C-T. GRCh37 (hg19) VCF-style: chr15-44918582-C-T.
Other names: c.2191G>A (NM_025137.3); c.2191G>A, p.Asp731Asn (NM_001160227.2); short protein forms D731N.
Identifiers: ClinVar variation 1037868 (VCV001037868.7), dbSNP rs1327322138, ClinGen allele CA392233413.
Genomic context (GRCh38, chr15:44,626,384, plus strand): 5'-CACTCACCATATTCTTCAAAAGTTCAGAGGCTTCCTTTATATTGTTCTTTTTTAAATTGT[C>T]AAAGACCAAATTTAGGCCTATGCCAATAAGCTCCTCAAGTTTTTGAGCAGAATGACTATC-3'
Protein context (NP_079413.3, residues 721-741): LIGIGLNLVF[Asp731Asn]NLKKNNIKEA